The following is an entry in ClinVar:

NM_003884.5(KAT2B):c.2157-5T>C

Gene: KAT2B (lysine acetyltransferase 2B; plus strand). Cytogenetic location: 3p24.3.
Variant type: single nucleotide variant.
Coding change: c.2157-5T>C on transcript NM_003884.5 (MANE Select); 5 bases into the intron before coding-DNA position 2157, T replaced by C.
Molecular consequence: intron variant.
Genome position (GRCh38, 1-based): chr3:20,148,238, T>C. VCF-style: chr3-20148238-T-C. GRCh37 (hg19) VCF-style: chr3-20189730-T-C.
Identifiers: ClinVar variation 3346141 (VCV003346141.1).

ClinVar aggregate classification (germline): Likely benign (0 of 4 stars; one submission).

Conditions:
KAT2B-related disorder. Also called: KAT2B-related condition.

gnomAD v4.1: 4 of 1,612,582 alleles (0.00025%); highest among the groups gnomAD compares: South Asian, 0.0044%; no homozygotes.

Submission:

PreventionGenetics, part of Exact Sciences
Classification: Likely benign for KAT2B-related condition. Last evaluated: 2024-08-23. Review status: no assertion criteria provided. Collection method: clinical testing. Allele origin: germline.
Comment: This variant is classified as likely benign based on ACMG/AMP sequence variant interpretation guidelines (Richards et al. 2015 PMID: 25741868, with internal and published modifications).